The following is an entry in ClinVar:

NM_001486.4(GCKR):c.552_553del (p.Pro185fs)

Gene: GCKR (glucokinase regulator; plus strand). Cytogenetic location: 2p23.3.
Variant type: Deletion.
Coding change: c.552_553del on transcript NM_001486.4 (MANE Select); coding-DNA positions 552 to 553, 2 bases deleted (TC; older notation c.552_553delTC).
Protein change: p.Pro185fs; shifts the reading frame from proline 185.
Molecular consequence: frameshift variant.
Genome position (GRCh38, 1-based): chr2:27,501,137-27,501,138, TC deleted; deleting any 2 consecutive bases within chr2:27,501,136-27,501,138 gives the same sequence; the c. name uses the placement nearest the transcript's 3' end. VCF-style (leftmost placement, unchanged base first): chr2-27501135-GCT-G. GRCh37 (hg19) VCF-style: chr2-27724002-GCT-G.
Other names: short protein forms P185fs.
Identifiers: ClinVar variation 2025846 (VCV002025846.4), dbSNP rs2466098490, ClinGen allele CA2580066250.
Genomic context (GRCh38, chr2:27,501,135, plus strand): 5'-CTTGGGCACCACTCAGAGTAATGACCCCCTCATCATGCCCTTCTCTCTCTTCACCATCAG[GCT>G]CCCTTTGTGGCAGGCCAGATGGACTGCTGCATGAACAACACAGCTGTCTTCTTGCCAGTC-3'

ClinVar aggregate classification (germline): Uncertain significance (1 of 4 stars; one submission).

Submission:

Labcorp Genetics (formerly Invitae), Labcorp
Classification: Uncertain significance. Last evaluated: 2025-06-16. Review status: criteria provided, single submitter. Criteria: Invitae Variant Classification Sherloc (09022015). Collection method: clinical testing. Allele origin: germline.
Comment: This sequence change creates a premature translational stop signal (p.Pro185Leufs*32) in the GCKR gene. It is expected to result in an absent or disrupted protein product. However, the current clinical and genetic evidence is not sufficient to establish whether loss-of-function variants in GCKR cause disease. This variant is not present in population databases (gnomAD no frequency). This variant has not been reported in the literature in individuals affected with GCKR-related conditions. ClinVar contains an entry for this variant (Variation ID: 2025846). In summary, the available evidence is currently insufficient to determine the role of this variant in disease. Therefore, it has been classified as a Variant of Uncertain Significance.